The following is an entry in ClinVar:

NM_000540.3(RYR1):c.10265A>G (p.Gln3422Arg)

Gene: RYR1 (ryanodine receptor 1; plus strand). Cytogenetic location: 19q13.2.
Variant type: single nucleotide variant.
Coding change: c.10265A>G on transcript NM_000540.3 (MANE Select); coding-DNA position 10265, A replaced by G.
Protein change: p.Gln3422Arg; replaces glutamine 3422 with arginine.
Molecular consequence: missense variant.
Genome position (GRCh38, 1-based): chr19:38,523,033, A>G. VCF-style: chr19-38523033-A-G. GRCh37 (hg19) VCF-style: chr19-39013673-A-G.
Other names: c.10265A>G, p.Gln3422Arg (NM_001042723.2); short protein forms Q3422R.
Identifiers: ClinVar variation 3074809 (VCV003074809.1), dbSNP rs2514462255, ClinGen allele CA405698574.

ClinVar aggregate classification (germline): Uncertain significance (1 of 4 stars; one submission).

Conditions:
Malignant hyperthermia, susceptibility to, 1 (MHS1). Also called: Anesthesia related hyperthermia; Malignant hyperpyrexia; Fulminating hyperpyrexia; Pharmacogenic myopathy; RYR1-Related Malignant Hyperthermia Susceptibility; Malignant hyperthermia suceptibility 1. Identifiers: Orphanet 423, MedGen C2930980, MONDO:0007783, OMIM 145600.

Allele frequency attached by ClinVar (database versions not stated): gnomAD exomes below 0.00001.
gnomAD v4.1: 5 of 1,588,912 alleles (0.00031%); highest among the groups gnomAD compares: Non-Finnish European, 0.00026%; no homozygotes.

Submission:

All of Us Research Program, National Institutes of Health
Classification: Uncertain significance for Malignant hyperthermia, susceptibility to, 1. Last evaluated: 2023-12-13. Review status: criteria provided, single submitter. Criteria: ACMG Guidelines, 2015. Collection method: clinical testing. Allele origin: germline. Inheritance: Autosomal dominant inheritance. Observed: 1 variant allele, 1 heterozygote.
Comment: This missense variant replaces glutamine with arginine at codon 3422 of the RYR1 protein. Computational prediction suggests that this variant may not impact protein structure and function (internally defined REVEL score threshold <= 0.5, PMID: 27666373). To our knowledge, functional studies have not been reported for this variant. This variant has not been reported in individuals affected with RYR1-related disorders in the literature. This variant has not been identified in the general population by the Genome Aggregation Database (gnomAD). The available evidence is insufficient to determine the role of this variant in disease conclusively. Therefore, this variant is classified as a Variant of Uncertain Significance.

This study involves interpretation of variants in research participants for the purpose of population health screening. Participant phenotype was not available at the time of variant classification. Additional details can be found in publication PMID: 35346344, PMCID: PMC8962531